The following is an entry in ClinVar:

NM_016188.5(ACTL6B):c.546C>T (p.Gly182=)

Gene: ACTL6B (actin like 6B; minus strand). Cytogenetic location: 7q22.1.
Variant type: single nucleotide variant.
Coding change: c.546C>T on transcript NM_016188.5 (MANE Select); coding-DNA position 546, C replaced by T.
Protein change: p.Gly182=; no amino-acid change (glycine 182 retained).
Molecular consequence: synonymous variant. On other transcripts: non-coding transcript variant (1).
Genome position (GRCh38, 1-based): chr7:100,648,745, G>A on the plus strand (C>T on the coding strand, the complement: ACTL6B is on the minus strand). VCF-style: chr7-100648745-G-A. GRCh37 (hg19) VCF-style: chr7-100246368-G-A.
Identifiers: ClinVar variation 3048125 (VCV003048125.3), dbSNP rs76279851, ClinGen allele CA4387233.

ClinVar aggregate classification (germline): Likely benign. Review status: criteria provided, single submitter (1 of 4 stars). 2 submissions from 2 submitters: Likely benign (1). 1 of the submissions does not count toward it. Last evaluated 2023-09-22.

Conditions:
ACTL6B-related disorder. Also called: ACTL6B-related condition.

Allele frequency attached by ClinVar (database versions not stated): gnomAD exomes 0.00003; ExAC 0.00018; TOPMed 0.00026; gnomAD 0.00032; ESP Exome Variant Server 0.00038; 1000 Genomes Project 30x 0.00141; 1000 Genomes Project 0.00180.
gnomAD v4.1: 104 of 1,614,114 alleles (0.0064%); highest among the groups gnomAD compares: African/African-American, 0.11%; no homozygotes.

Submissions (2):

Blueprint Genetics
Classification: Likely benign. Last evaluated: 2023-09-22. Review status: criteria provided, single submitter. Criteria: ACMG Guidelines, 2015. Collection method: clinical testing. Allele origin: germline.

PreventionGenetics, part of Exact Sciences
Classification: Likely benign for ACTL6B-related condition. Last evaluated: 2019-11-25. Review status: no assertion criteria provided. Collection method: clinical testing. Allele origin: germline. Not counted in ClinVar's aggregate classification.
Comment: This variant is classified as likely benign based on ACMG/AMP sequence variant interpretation guidelines (Richards et al. 2015 PMID: 25741868, with internal and published modifications).